The following is an entry in ClinVar:

NM_001098.3(ACO2):c.1705G>C (p.Glu569Gln)

Genes: ACO2 (aconitase 2; plus strand), LOC130067544 (ATAC-STARR-seq lymphoblastoid active region 19118; plus strand). Cytogenetic location: 22q13.2.
Variant type: single nucleotide variant.
Coding change: c.1705G>C on transcript NM_001098.3 (MANE Select); coding-DNA position 1705, G replaced by C.
Protein change: p.Glu569Gln; replaces glutamic acid 569 with glutamine.
Molecular consequence: missense variant.
Genome position (GRCh38, 1-based): chr22:41,525,292, G>C. VCF-style: chr22-41525292-G-C. GRCh37 (hg19) VCF-style: chr22-41921296-G-C.
Other names: c.1705G>C (NM_001098.2); short protein forms E569Q.
Identifiers: ClinVar variation 1399933 (VCV001399933.9), dbSNP rs2146140102, ClinGen allele CA411727765.

ClinVar aggregate classification (germline): Uncertain significance. Review status: criteria provided, multiple submitters, no conflicts (2 of 4 stars). 2 submissions from 2 submitters: Uncertain significance (2). Last evaluated 2025-01-10.

Allele frequency attached by ClinVar (database versions not stated): gnomAD exomes below 0.00001.
gnomAD v4.1: 2 of 1,614,066 alleles (0.00012%); highest among the groups gnomAD compares: East Asian, 0.0022%; no homozygotes.

Submissions (2):

GeneDx
Classification: Uncertain significance. Last evaluated: 2025-01-10. Review status: criteria provided, single submitter. Criteria: GeneDx Variant Classification Process June 2021. Collection method: clinical testing. Allele origin: germline. Affected: yes.
Comment: Not observed at significant frequency in large population cohorts (gnomAD); In silico analysis indicates that this missense variant does not alter protein structure/function; Has not been previously published as pathogenic or benign to our knowledge

Labcorp Genetics (formerly Invitae), Labcorp
Classification: Uncertain significance. Last evaluated: 2021-07-26. Review status: criteria provided, single submitter. Criteria: Invitae Variant Classification Sherloc (09022015). Collection method: clinical testing. Allele origin: germline.
Comment: This variant is not present in population databases (ExAC no frequency). This variant has not been reported in the literature in individuals affected with ACO2-related conditions. Advanced modeling of protein sequence and biophysical properties (such as structural, functional, and spatial information, amino acid conservation, physicochemical variation, residue mobility, and thermodynamic stability) performed at Invitae indicates that this missense variant is expected to disrupt ACO2 protein function. In summary, the available evidence is currently insufficient to determine the role of this variant in disease. Therefore, it has been classified as a Variant of Uncertain Significance. This sequence change replaces glutamic acid with glutamine at codon 569 of the ACO2 protein (p.Glu569Gln). The glutamic acid residue is highly conserved and there is a small physicochemical difference between glutamic acid and glutamine.